The following is an entry in ClinVar:

NM_006017.3(PROM1):c.2472G>A (p.Ser824=)

Gene: PROM1 (prominin 1; minus strand). Cytogenetic location: 4p15.32.
Variant type: single nucleotide variant.
Coding change: c.2472G>A on transcript NM_006017.3 (MANE Select); coding-DNA position 2472, G replaced by A.
Protein change: p.Ser824=; no amino-acid change (serine 824 retained).
Molecular consequence: synonymous variant.
Genome position (GRCh38, 1-based): chr4:15,980,439, C>T on the plus strand (G>A on the coding strand, the complement: PROM1 is on the minus strand). VCF-style: chr4-15980439-C-T. GRCh37 (hg19) VCF-style: chr4-15982062-C-T.
Other names: c.2445G>A, p.Ser815= (NM_001145847.2, NM_001145848.2, NM_001145851.2 and 4 more transcripts); c.2472G>A, p.Ser824= (NM_001145849.2, NM_001145850.2).
Identifiers: ClinVar variation 844238 (VCV000844238.9), dbSNP rs372746499, ClinGen allele CA2866383.

ClinVar aggregate classification (germline): Likely benign. Review status: criteria provided, multiple submitters, no conflicts (2 of 4 stars). 3 submissions from 3 submitters: Likely benign (3). Last evaluated 2025-05-11.

Conditions:
PROM1-related disorder. Also called: PROM1-related condition; PROM1-related disorders.

Allele frequency attached by ClinVar (database versions not stated): ExAC below 0.00001; gnomAD exomes 0.00003 and 0.00005; TOPMed 0.00005; ESP Exome Variant Server 0.00009; gnomAD 0.00012.
gnomAD v4.1: 62 of 1,549,928 alleles (0.004%); highest among the groups gnomAD compares: Admixed American, 0.025%; 1 homozygote.

Submissions (3):

Labcorp Genetics (formerly Invitae), Labcorp
Classification: Likely benign. Last evaluated: 2025-05-11. Review status: criteria provided, single submitter. Criteria: Invitae Variant Classification Sherloc (09022015). Collection method: clinical testing. Allele origin: germline.

PreventionGenetics, part of Exact Sciences
Classification: Likely benign for PROM1-related condition. Last evaluated: 2025-03-03. Review status: criteria provided, single submitter. Criteria: ACMG Guidelines, 2015. Collection method: clinical testing. Allele origin: germline.
Comment: This variant is classified as likely benign based on ACMG/AMP sequence variant interpretation guidelines (Richards et al. 2015 PMID: 25741868, with internal and published modifications).

Blueprint Genetics
Classification: Likely benign. Last evaluated: 2022-12-16. Review status: criteria provided, single submitter. Criteria: ACMG Guidelines, 2015. Collection method: clinical testing. Allele origin: germline.